The following is an entry in ClinVar:

ClinVar aggregate classification (germline): Uncertain significance. Review status: criteria provided, multiple submitters, no conflicts (2 of 4 stars). 8 submissions from 8 submitters: Uncertain significance (6). 2 of the submissions do not count toward it. Last evaluated 2025-12-06.

Conditions:
Cardiomyopathy (CMYO). Also called: Cardiomyopathies. Identifiers: Orphanet 167848, MedGen C0878544, MONDO:0004994, HP:0001638. Inheritance: Various modes of inheritance.
Cardiovascular phenotype. Identifiers: MedGen CN230736.
Arrhythmogenic right ventricular dysplasia 9 (ARVD9). Also called: Arrhythmogenic Right Ventricular Dysplasia/Cardiomyopathy 9; ARRHYTHMOGENIC RIGHT VENTRICULAR DYSPLASIA, FAMILIAL, 9. Identifiers: MedGen C1836906, MONDO:0012180, OMIM 609040.

Allele frequency attached by ClinVar (database versions not stated): ExAC 0.00001; TOPMed 0.00002; gnomAD exomes 0.00003; gnomAD 0.00004.
gnomAD v4.1: 48 of 1,611,992 alleles (0.003%); highest among the groups gnomAD compares: Non-Finnish European, 0.0034%; no homozygotes.

Submissions (8):

Labcorp Genetics (formerly Invitae), Labcorp
Classification: Uncertain significance for Arrhythmogenic right ventricular dysplasia 9. Last evaluated: 2025-12-06. Review status: criteria provided, single submitter. Criteria: Invitae Variant Classification Sherloc (09022015). Collection method: clinical testing. Allele origin: germline.
Comment: This sequence change replaces arginine, which is basic and polar, with cysteine, which is neutral and slightly polar, at codon 122 of the PKP2 protein (p.Arg122Cys). This variant is present in population databases (rs759377911, gnomAD 0.01%). This variant has not been reported in the literature in individuals affected with PKP2-related conditions. ClinVar contains an entry for this variant (Variation ID: 464429). An algorithm developed to predict the effect of missense changes on protein structure and function (PolyPhen-2) suggests that this variant is likely to be disruptive. In summary, the available evidence is currently insufficient to determine the role of this variant in disease. Therefore, it has been classified as a Variant of Uncertain Significance.

Ambry Genetics
Classification: Uncertain significance for Cardiovascular phenotype. Last evaluated: 2025-05-07. Review status: criteria provided, single submitter. Criteria: Ambry Variant Classification Scheme 2023. Collection method: clinical testing. Allele origin: germline.
Comment: The p.R122C variant (also known as c.364C>T), located in coding exon 3 of the PKP2 gene, results from a C to T substitution at nucleotide position 364. The arginine at codon 122 is replaced by cysteine, an amino acid with highly dissimilar properties. This variant was detected in an arrhythmia genetic testing cohort; however, clinical details were limited (van Lint FHM et al. Neth Heart J, 2019 Jun;27:304-309). This amino acid position is not well conserved in available vertebrate species. In addition, this alteration is predicted to be tolerated by in silico analysis. Based on the available evidence, the clinical significance of this variant remains unclear.

Color Diagnostics, LLC DBA Color Health
Classification: Uncertain significance for Cardiomyopathy. Last evaluated: 2024-08-27. Review status: criteria provided, single submitter. Criteria: ACMG Guidelines, 2015. Collection method: clinical testing. Allele origin: germline.
Comment: This missense variant replaces arginine with cysteine at codon 122 of the PKP2 protein. Computational prediction suggests that this variant may not impact protein structure and function. To our knowledge, functional studies have not been reported for this variant. This variant has been reported in an individual affected with unspecified arrhythmia (PMID: 30847666). This variant has not been identified in the general population by the Genome Aggregation Database (gnomAD). The available evidence is insufficient to determine the role of this variant in disease conclusively. Therefore, this variant is classified as a Variant of Uncertain Significance.

Blueprint Genetics
Classification: Uncertain significance. Last evaluated: 2024-04-12. Review status: criteria provided, single submitter. Criteria: ACMG Guidelines, 2015. Collection method: clinical testing. Allele origin: germline.

Fulgent Genetics
Classification: Uncertain significance for Arrhythmogenic right ventricular dysplasia 9. Last evaluated: 2021-09-14. Review status: criteria provided, single submitter. Criteria: ACMG Guidelines, 2015. Collection method: clinical testing. Allele origin: unknown.

Clinical Genetics DNA and cytogenetics Diagnostics Lab, Erasmus MC, Erasmus Medical Center
Classification: Uncertain significance for Arrhythmogenic right ventricular dysplasia 9. Last evaluated: 2015-09-21. Review status: criteria provided, single submitter. Criteria: ACGS Guidelines, 2013. Collection method: clinical testing. Allele origin: germline. Affected: yes. Study: VKGL Data-share Consensus.

Clinical Genetics, Academic Medical Center
Classification: Uncertain significance. Review status: no assertion criteria provided. Collection method: clinical testing. Allele origin: germline. Affected: yes. Study: VKGL Data-share Consensus. Not counted in ClinVar's aggregate classification.

Diagnostic Laboratory, Department of Genetics, University Medical Center Groningen
Classification: Uncertain significance. Review status: no assertion criteria provided. Collection method: clinical testing. Allele origin: germline. Affected: yes. Study: VKGL Data-share Consensus. Not counted in ClinVar's aggregate classification.

Literature cited by the submitters: PubMed 30847666 (cited by Ambry Genetics and Color Diagnostics, LLC DBA Color Health).

NM_001005242.3(PKP2):c.364C>T (p.Arg122Cys)

Gene: PKP2 (plakophilin 2; minus strand). Cytogenetic location: 12p11.21.
Variant type: single nucleotide variant.
Coding change: c.364C>T on transcript NM_001005242.3 (MANE Select); coding-DNA position 364, C replaced by T.
Protein change: p.Arg122Cys; replaces arginine 122 with cysteine.
Molecular consequence: missense variant.
Genome position (GRCh38, 1-based): chr12:32,878,516, G>A on the plus strand (C>T on the coding strand, the complement: PKP2 is on the minus strand). VCF-style: chr12-32878516-G-A. GRCh37 (hg19) VCF-style: chr12-33031450-G-A.
Other names: c.364C>T, p.Arg122Cys (NM_004572.4); short protein forms R122C.
Identifiers: ClinVar variation 464429 (VCV000464429.17), dbSNP rs759377911, ClinGen allele CA037071.
Genomic context (GRCh38, chr12:32,878,516, plus strand): 5'-TCAAGGACCTTTCTTCCACGGACTTCTGGGAGCTGTACTGTGCTGTTCCTCTTCCCCAGC[G>A]ACCTTCATAAGTGGCAGTTGTGCCAGCCTGCACATGAGAGAAATAAAGTTTAAAGGGGGC-3'
Protein context (NP_001005242.2, residues 112-132): KAGTTATYEG[Arg122Cys]WGRGTAQYSS